The following is an entry in ClinVar:

NM_000215.4(JAK3):c.2261T>C (p.Leu754Pro)

Gene: JAK3 (Janus kinase 3; minus strand). Cytogenetic location: 19p13.11.
Variant type: single nucleotide variant.
Coding change: c.2261T>C on transcript NM_000215.4 (MANE Select); coding-DNA position 2261, T replaced by C.
Protein change: p.Leu754Pro; replaces leucine 754 with proline.
Molecular consequence: missense variant.
Genome position (GRCh38, 1-based): chr19:17,834,660, A>G on the plus strand (T>C on the coding strand, the complement: JAK3 is on the minus strand). VCF-style: chr19-17834660-A-G. GRCh37 (hg19) VCF-style: chr19-17945469-A-G.
Other names: short protein forms L754P.
Identifiers: ClinVar variation 2756878 (VCV002756878.2), dbSNP rs2147681671, ClinGen allele CA404767433.
Genomic context (GRCh38, chr19:17,834,660, plus strand): 5'-ATGACGGCTCGGAAGGAGGGCCTCTGGACCGGCTCATAGGCCATGCACTGTTGAATCAGC[A>G]GGGCCAGCTCTGTCCACTTGGGGGCCGGCAGCTGCTGCCGGTCCTCATAAAATTGGAGTT-3'
Protein context (NP_000206.2, residues 744-764): LPAPKWTELA[Leu754Pro]LIQQCMAYEP

ClinVar aggregate classification (germline): Uncertain significance (1 of 4 stars; one submission).

Conditions:
T-B+ severe combined immunodeficiency due to JAK3 deficiency. Also called: SCID, autosomal recessive, T-negative/B-positive type; SCID, T CELL-NEGATIVE, B CELL-POSITIVE, NK CELL-NEGATIVE. Identifiers: Orphanet 35078, MedGen C1833275, MONDO:0010938, OMIM 600802.

Allele frequency attached by ClinVar (database versions not stated): gnomAD 0.00001; gnomAD exomes 0.00001; 1000 Genomes Project 30x 0.00016.
gnomAD v4.1: 12 of 1,613,966 alleles (0.00074%); highest among the groups gnomAD compares: Non-Finnish European, 0.001%; no homozygotes.

Submission:

Labcorp Genetics (formerly Invitae), Labcorp
Classification: Uncertain significance for T-B+ severe combined immunodeficiency due to JAK3 deficiency. Last evaluated: 2024-10-07. Review status: criteria provided, single submitter. Criteria: Invitae Variant Classification Sherloc (09022015). Collection method: clinical testing. Allele origin: germline.
Comment: This sequence change replaces leucine, which is neutral and non-polar, with proline, which is neutral and non-polar, at codon 754 of the JAK3 protein (p.Leu754Pro). This variant is not present in population databases (gnomAD no frequency). This variant has not been reported in the literature in individuals affected with JAK3-related conditions. Invitae Evidence Modeling of protein sequence and biophysical properties (such as structural, functional, and spatial information, amino acid conservation, physicochemical variation, residue mobility, and thermodynamic stability) has been performed for this missense variant. However, the output from this modeling did not meet the statistical confidence thresholds required to predict the impact of this variant on JAK3 protein function. In summary, the available evidence is currently insufficient to determine the role of this variant in disease. Therefore, it has been classified as a Variant of Uncertain Significance.